The following is an entry in ClinVar:

ClinVar aggregate classification (germline): Uncertain significance (1 of 4 stars; one submission).

Conditions:
Cardiovascular phenotype. Identifiers: MedGen CN230736.

Submission:

Ambry Genetics
Classification: Uncertain significance for Cardiovascular phenotype. Last evaluated: 2024-05-15. Review status: criteria provided, single submitter. Criteria: Ambry Variant Classification Scheme 2023. Collection method: clinical testing. Allele origin: germline.
Comment: The c.2030_2031delAG variant, located in coding exon 15 of the LAMA4 gene, results from a deletion of two nucleotides at nucleotide positions 2030 to 2031, causing a translational frameshift with a predicted alternate stop codon (p.E677Vfs*2). This alteration is expected to result in loss of function by premature protein truncation or nonsense-mediated mRNA decay. However, the evidence for this gene-disease relationship is limited; therefore, the clinical significance of this alteration is unclear.

NM_001105206.3(LAMA4):c.2051_2052del (p.Glu684fs)

Gene: LAMA4 (laminin subunit alpha 4; minus strand). Cytogenetic location: 6q21.
Variant type: Microsatellite.
Coding change: c.2051_2052del on transcript NM_001105206.3 (MANE Select); coding-DNA positions 2051 to 2052, 2 bases deleted (AG; older notation c.2051_2052delAG).
Protein change: p.Glu684fs; shifts the reading frame from glutamic acid 684.
Molecular consequence: frameshift variant.
Genome position (GRCh38, 1-based): chr6:112,154,855-112,154,856, CT deleted on the plus strand (AG on the coding strand, the reverse complement: LAMA4 is on the minus strand); deleting any 2 consecutive bases within chr6:112,154,855-112,154,858 gives the same sequence; the c. name uses the placement nearest the transcript's 3' end. VCF-style (leftmost placement, unchanged base first): chr6-112154854-ACT-A. GRCh37 (hg19) VCF-style: chr6-112476056-ACT-A.
Other names: c.2030_2031del, p.Glu677fs (NM_001105207.3, NM_002290.5); c.2028_2029AG[1], p.Glu677Valfs (NM_002290.3); c.2030_2031delAG (NM_002290.3); short protein forms E684fs, E677fs.
Identifiers: ClinVar variation 3289938 (VCV003289938.1).
Genomic context (GRCh38, chr6:112,154,854, plus strand): 5'-TGAAAGGAGGGAAGCAGCTATAAATTAGAAAGGAGATAGGAAAGTGAAGATATTTACTAG[ACT>A]CTGCCTTTGCTTGCAGTTCTCTGGCTTGATTGAGGAGGTTCTCACTTTCATCTTTATGGT-3'